The following is an entry in ClinVar:

ClinVar aggregate classification (germline): Uncertain significance (1 of 4 stars; one submission).

Allele frequency attached by ClinVar (database versions not stated): gnomAD exomes below 0.00001; ExAC 0.00001; gnomAD 0.00001; TOPMed 0.00001.
gnomAD v4.1: 9 of 1,614,040 alleles (0.00056%); highest among the groups gnomAD compares: Middle Eastern, 0.033%; no homozygotes.

Submission:

Labcorp Genetics (formerly Invitae), Labcorp
Classification: Uncertain significance. Last evaluated: 2022-07-18. Review status: criteria provided, single submitter. Criteria: Invitae Variant Classification Sherloc (09022015). Collection method: clinical testing. Allele origin: germline.
Comment: This sequence change falls in intron 20 of the ABCA4 gene. It does not directly change the encoded amino acid sequence of the ABCA4 protein. It affects a nucleotide within the consensus splice site. The frequency data for this variant in the population databases is considered unreliable, as metrics indicate poor data quality at this position in the gnomAD database. This variant has not been reported in the literature in individuals affected with ABCA4-related conditions. Variants that disrupt the consensus splice site are a relatively common cause of aberrant splicing (PMID: 17576681, 9536098). Algorithms developed to predict the effect of sequence changes on RNA splicing suggest that this variant is not likely to affect RNA splicing. In summary, the available evidence is currently insufficient to determine the role of this variant in disease. Therefore, it has been classified as a Variant of Uncertain Significance.

Literature cited by the submitters: PubMed 17576681; PubMed 9536098.

NM_000350.3(ABCA4):c.3051-3T>C

Gene: ABCA4 (ATP binding cassette subfamily A member 4; minus strand). Cytogenetic location: 1p22.1.
Variant type: single nucleotide variant.
Coding change: c.3051-3T>C on transcript NM_000350.3 (MANE Select); 3 bases into the intron before coding-DNA position 3051, T replaced by C.
Molecular consequence: intron variant.
Genome position (GRCh38, 1-based): chr1:94,043,478, A>G on the plus strand (T>C on the coding strand, the complement: ABCA4 is on the minus strand). VCF-style: chr1-94043478-A-G. GRCh37 (hg19) VCF-style: chr1-94509034-A-G.
Identifiers: ClinVar variation 2010351 (VCV002010351.1), dbSNP rs751302569, ClinGen allele CA958053.